The following is an entry in ClinVar:

NM_000098.3(CPT2):c.726CCT[1] (p.Leu244del)

Gene: CPT2 (carnitine palmitoyltransferase 2; plus strand). Cytogenetic location: 1p32.3.
Variant type: Microsatellite.
Coding change: c.726CCT[1] on transcript NM_000098.3 (MANE Select); one copy of the 3-base unit CCT starting at c.726; the reference has two copies in a row; one copy, 3 bases deleted.
Protein change: p.Leu244del; deletes leucine 244.
Molecular consequence: inframe deletion.
Genome position (GRCh38, 1-based): chr1:53,210,403-53,210,405, CCT deleted; deleting any 3 consecutive bases within chr1:53,210,400-53,210,405 gives the same sequence; the position shown is the placement nearest the transcript's 3' end. VCF-style (leftmost placement, unchanged base first): chr1-53210399-ACCT-A. GRCh37 (hg19) VCF-style: chr1-53676071-ACCT-A.
Other names: c.726CCT[1], p.Leu244del (NM_001330589.2); short protein forms L244del.
Identifiers: ClinVar variation 953482 (VCV000953482.9), dbSNP rs1645415258, ClinGen allele CA1167215158.

ClinVar aggregate classification (germline): Uncertain significance (1 of 4 stars; one submission).

Conditions:
Carnitine palmitoyltransferase II deficiency. Also called: Carnitine Palmitoyltransferase 2 Deficiency. Identifiers: Orphanet 157, MedGen C0342790, MONDO:0015515.

Submission:

Labcorp Genetics (formerly Invitae), Labcorp
Classification: Uncertain significance for Carnitine palmitoyltransferase II deficiency. Last evaluated: 2019-07-26. Review status: criteria provided, single submitter. Criteria: Invitae Variant Classification Sherloc (09022015). Collection method: clinical testing. Allele origin: germline.
Comment: This variant is not present in population databases (ExAC no frequency). This variant, c.729_731del, results in the deletion of 1 amino acid(s) of the CPT2 protein (p.Leu244del), but otherwise preserves the integrity of the reading frame. This variant has not been reported in the literature in individuals with CPT2-related conditions. Experimental studies and prediction algorithms are not available or were not evaluated for this variant, and the functional significance of the affected amino acid(s) is currently unknown. In summary, the available evidence is currently insufficient to determine the role of this variant in disease. Therefore, it has been classified as a Variant of Uncertain Significance.